The following is an entry in ClinVar:

ClinVar aggregate classification (germline): Benign. Review status: criteria provided, multiple submitters, no conflicts (2 of 4 stars). 7 submissions from 7 submitters: Benign (7). Last evaluated 2026-02-03.

Conditions:
Tumoral calcinosis, hyperphosphatemic, familial, 3. Identifiers: MedGen C4693864, MONDO:0060715, OMIM 617994.

Allele frequency attached by ClinVar (database versions not stated): gnomAD 0.15805 and 0.15638; ESP Exome Variant Server 0.17123; 1000 Genomes Project 30x 0.12836; 1000 Genomes Project 0.12999; gnomAD exomes 0.14126; ExAC 0.14310; TOPMed 0.14768.
gnomAD v4.1: 249,034 of 1,612,736 alleles (15%); highest among the groups gnomAD compares: African/African-American, 18%; 20,412 homozygotes.

Submissions (9):

Labcorp Genetics (formerly Invitae), Labcorp
Classification: Benign. Last evaluated: 2026-02-03. Review status: criteria provided, single submitter. Criteria: Invitae Variant Classification Sherloc (09022015). Collection method: clinical testing. Allele origin: germline.

Blueprint Genetics
Classification: Benign. Last evaluated: 2024-11-27. Review status: criteria provided, single submitter. Criteria: ACMG Guidelines, 2015. Collection method: clinical testing. Allele origin: germline.

Mayo Clinic Laboratories, Mayo Clinic
Classification: Benign. Last evaluated: 2022-09-23. Review status: criteria provided, single submitter. Criteria: ACMG Guidelines, 2015. Collection method: clinical testing. Allele origin: germline. Observed: 54 variant alleles.
Comment: BA1, BP4

Genome-Nilou Lab
Classification: Benign for Tumoral calcinosis, hyperphosphatemic, familial, 3. Last evaluated: 2021-08-19. Review status: criteria provided, single submitter. Criteria: ACMG Guidelines, 2015. Collection method: clinical testing. Allele origin: germline. Affected: no.

GeneDx
Classification: Benign. Last evaluated: 2021-05-04. Review status: criteria provided, single submitter. Criteria: GeneDx Variant Classification Process June 2021. Collection method: clinical testing. Allele origin: germline. Affected: yes.
Comment: This variant is associated with the following publications: (PMID: 24217253, 11792841, 15677572, 29247834, 19421891)

Illumina Laboratory Services, Illumina
Classification: Benign for Tumoral calcinosis, hyperphosphatemic, familial, 3. Last evaluated: 2018-03-06. Review status: criteria provided, single submitter. Criteria: ICSL Variant Classification Criteria 13 December 2019. Collection method: clinical testing. Allele origin: germline.
Comment: This variant was observed in the ICSL laboratory as part of a predisposition screen in an ostensibly healthy population. It had not been previously curated by ICSL or reported in the Human Gene Mutation Database (HGMD: prior to June 1st, 2018), and was therefore a candidate for classification through an automated scoring system. Utilizing variant allele frequency, disease prevalence and penetrance estimates, and inheritance mode, an automated score was calculated to assess if this variant is too frequent to cause the disease. Based on the score and internal cut-off values, a variant classified as benign is not then subjected to further curation. The score for this variant resulted in a classification of benign for this disease.

Breakthrough Genomics
Classification: Benign. Review status: criteria provided, single submitter. Criteria: ACMG Guidelines, 2015. Collection method: not provided. Allele origin: germline. Inheritance: Autosomal recessive inheritance. Affected: yes.

Dr. Peter K. Rogan Lab, Western University
No classification provided (evidence only). Condition: Colorectal cancer. Review status: no classification provided. Collection method: in vitro. Allele origin: not applicable. Functional consequence: retained intron. Not counted in ClinVar's aggregate classification.

Dr. Peter K. Rogan Lab, Western University
No classification provided (evidence only). Condition: Colorectal cancer. Review status: no classification provided. Collection method: in vitro. Allele origin: not applicable. Functional consequence: retained intron. Not counted in ClinVar's aggregate classification.

NM_004795.4(KL):c.1109G>C (p.Cys370Ser)

Gene: KL (klotho; plus strand). Cytogenetic location: 13q13.1.
Variant type: single nucleotide variant.
Coding change: c.1109G>C on transcript NM_004795.4 (MANE Select); coding-DNA position 1109, G replaced by C.
Protein change: p.Cys370Ser; replaces cysteine 370 with serine.
Molecular consequence: missense variant.
Genome position (GRCh38, 1-based): chr13:33,054,056, G>C. VCF-style: chr13-33054056-G-C. GRCh37 (hg19) VCF-style: chr13-33628193-G-C.
Other names: short protein forms C370S.
Identifiers: ClinVar variation 311691 (VCV000311691.19), dbSNP rs9527025, ClinGen allele CA6944034.